The following is an entry in ClinVar:

ClinVar aggregate classification (germline): Uncertain significance. Review status: criteria provided, multiple submitters, no conflicts (2 of 4 stars). 2 submissions from 2 submitters: Uncertain significance (2). Last evaluated 2025-04-07.

Conditions:
Pancreatic adenocarcinoma. Identifiers: MedGen C0281361, MONDO:0006047, HP:0006725.

Allele frequency attached by ClinVar (database versions not stated): gnomAD exomes 0.00001 and 0.00002; TOPMed 0.00002.
gnomAD v4.1: 15 of 1,614,012 alleles (0.00093%); highest among the groups gnomAD compares: Admixed American, 0.0033%; no homozygotes.

Submissions (2):

Labcorp Genetics (formerly Invitae), Labcorp
Classification: Uncertain significance for Pancreatic adenocarcinoma. Last evaluated: 2025-04-07. Review status: criteria provided, single submitter. Criteria: Invitae Variant Classification Sherloc (09022015). Collection method: clinical testing. Allele origin: germline.
Comment: This sequence change replaces arginine, which is basic and polar, with lysine, which is basic and polar, at codon 264 of the PALLD protein (p.Arg264Lys). This variant is present in population databases (no rsID available, gnomAD 0.01%). This variant has not been reported in the literature in individuals affected with PALLD-related conditions. ClinVar contains an entry for this variant (Variation ID: 542937). An algorithm developed to predict the effect of missense changes on protein structure and function (PolyPhen-2) suggests that this variant is likely to be tolerated. In summary, the available evidence is currently insufficient to determine the role of this variant in disease. Therefore, it has been classified as a Variant of Uncertain Significance.

Ambry Genetics
Classification: Uncertain significance. Last evaluated: 2025-04-04. Review status: criteria provided, single submitter. Criteria: Ambry Variant Classification Scheme 2023. Collection method: clinical testing. Allele origin: germline.
Comment: The p.R264K variant (also known as c.791G>A), located in coding exon 4 of the PALLD gene, results from a G to A substitution at nucleotide position 791. The arginine at codon 264 is replaced by lysine, an amino acid with highly similar properties. This amino acid position is conserved. In addition, this alteration is predicted to be deleterious by in silico analysis. Based on the available evidence, the clinical significance of this variant remains unclear.

NM_001166108.2(PALLD):c.2303G>A (p.Arg768Lys)

Genes: CBR4 (carbonyl reductase 4; minus strand), PALLD (palladin, cytoskeletal associated protein; plus strand). Cytogenetic location: 4q32.3.
Variant type: single nucleotide variant.
Coding change: c.2303G>A on transcript NM_001166108.2 (MANE Select); coding-DNA position 2303, G replaced by A.
Protein change: p.Arg768Lys; replaces arginine 768 with lysine.
Molecular consequence: missense variant.
Genome position (GRCh38, 1-based): chr4:168,898,545, G>A. VCF-style: chr4-168898545-G-A. GRCh37 (hg19) VCF-style: chr4-169819696-G-A.
Other names: c.1106G>A, p.Arg369Lys (NM_001166109.2); c.791G>A, p.Arg264Lys (NM_001166110.2); c.131G>A, p.Arg44Lys (NM_001367567.1, NM_001367569.1); c.182G>A, p.Arg61Lys (NM_001367568.1, NM_001367570.1); c.2252G>A, p.Arg751Lys (NM_016081.4); short protein forms R264K, R751K, R768K, R44K, R369K, R61K.
Identifiers: ClinVar variation 542937 (VCV000542937.10), dbSNP rs1385898569, ClinGen allele CA358798720.